The following is an entry in ClinVar:

NM_000038.6(APC):c.834+4966C>G

Gene: APC (APC regulator of WNT signaling pathway; plus strand). Cytogenetic location: 5q22.2.
Variant type: single nucleotide variant.
Coding change: c.834+4966C>G on transcript NM_000038.6 (MANE Select); 4966 bases into the intron after coding-DNA position 834, C replaced by G.
Molecular consequence: intron variant.
Genome position (GRCh38, 1-based): chr5:112,806,349, C>G. VCF-style: chr5-112806349-C-G. GRCh37 (hg19) VCF-style: chr5-112142046-C-G.
Other names: c.834+4966C>G (NM_001354895.2, NM_001127510.3, NM_001354896.2 and 1 more transcripts); c.864+4966C>G (NM_001354897.2, NM_001354902.2); c.780+4966C>G (NM_001127511.3); c.759+4966C>G (NM_001354898.2, NM_001354904.2); c.-201-3777C>G (NM_001354906.2); c.750+4966C>G (NM_001354899.2); c.657+4966C>G (NM_001354900.2, NM_001354901.2, NM_001354905.2).
Identifiers: ClinVar variation 82525 (VCV000082525.2), dbSNP rs77288644, ClinGen allele CA014852.
Genomic context (GRCh38, chr5:112,806,349, plus strand): 5'-CCACTAGACTGTAAGCTCCAGAAAGGCAGGGATTCTATCTAGTTTTGTTATTTTCATACC[C>G]ACACAGTCCCTGATAAATAGTAGATAACAATAAATATGTGGTGTGTGTAATATCCCTGCT-3'

ClinVar aggregate classification (germline): other (0 of 4 stars; one submission).

Conditions:
Familial colorectal cancer. Identifiers: MedGen CN280943, MONDO:0023113. Disease mechanism: loss of function.

Allele frequency attached by ClinVar (database versions not stated): TOPMed 0.06070; gnomAD 0.05404; 1000 Genomes Project 0.09065; 1000 Genomes Project 30x 0.08807.
gnomAD v4.1: 8,388 of 152,178 alleles (5.5%); highest among the groups gnomAD compares: East Asian, 14%; 439 homozygotes.

Submission:

Systems Biology Platform Zhejiang California International NanoSystems Institute
Classification: other for Familial colorectal cancer. Review status: no assertion criteria provided. Collection method: not provided. Allele origin: unknown.
ClinVar note: Converted during submission from cancer to other.